The following is an entry in ClinVar:

ClinVar aggregate classification (germline): Uncertain significance (1 of 4 stars; one submission).

Submission:

GeneDx
Classification: Uncertain significance. Last evaluated: 2024-08-29. Review status: criteria provided, single submitter. Criteria: GeneDx Variant Classification Process June 2021. Collection method: clinical testing. Allele origin: germline. Affected: yes.
Comment: Not observed at significant frequency in large population cohorts (gnomAD); In silico analysis supports that this missense variant has a deleterious effect on protein structure/function; Has not been previously published as pathogenic or benign to our knowledge

NM_012144.4(DNAI1):c.940G>C (p.Asp314His)

Gene: DNAI1 (dynein axonemal intermediate chain 1; plus strand). Cytogenetic location: 9p13.3.
Variant type: single nucleotide variant.
Coding change: c.940G>C on transcript NM_012144.4 (MANE Select); coding-DNA position 940, G replaced by C.
Protein change: p.Asp314His; replaces aspartic acid 314 with histidine.
Molecular consequence: missense variant.
Genome position (GRCh38, 1-based): chr9:34,500,760, G>C. VCF-style: chr9-34500760-G-C. GRCh37 (hg19) VCF-style: chr9-34500758-G-C.
Other names: c.952G>C, p.Asp318His (NM_001281428.2); short protein forms D314H, D318H.
Identifiers: ClinVar variation 3766234 (VCV003766234.1).
Genomic context (GRCh38, chr9:34,500,760, plus strand): 5'-ACTCTGCCTGTGTGTGTTTAAGATTTTAAGTACTATGACGATGCTGCTGATGAATACCGG[G>C]ACCAGGTGGGTACCCTGCTGCCGCTCTGGAAGTTCCAAAATGACAAAGCCAAGCGCCTGT-3'
Protein context (NP_036276.1, residues 304-324): YYDDAADEYR[Asp314His]QVGTLLPLWK